The following is an entry in ClinVar:

NM_001243133.2(NLRP3):c.1374C>A (p.His458Gln)

Gene: NLRP3 (NLR family pyrin domain containing 3; plus strand). Cytogenetic location: 1q44.
Variant type: single nucleotide variant.
Coding change: c.1374C>A on transcript NM_001243133.2 (MANE Select); coding-DNA position 1374, C replaced by A.
Protein change: p.His458Gln; replaces histidine 458 with glutamine.
Molecular consequence: missense variant.
Genome position (GRCh38, 1-based): chr1:247,424,823, C>A. VCF-style: chr1-247424823-C-A. GRCh37 (hg19) VCF-style: chr1-247588125-C-A.
Other names: c.1374C>A, p.His458Gln (NM_001079821.3, NM_001127461.3, NM_001127462.3 and 1 more transcripts); c.1380C>A, p.His460Gln (NM_004895.5); c.1380C>A (NM_004895.4); short protein forms H458Q, H460Q.
Identifiers: ClinVar variation 1448252 (VCV001448252.7), dbSNP rs180177481, ClinGen allele CA1495022.

ClinVar aggregate classification (germline): Uncertain significance. Review status: criteria provided, multiple submitters, no conflicts (2 of 4 stars). 2 submissions from 2 submitters: Uncertain significance (2). Last evaluated 2025-10-29.

Conditions:
Cryopyrin associated periodic syndrome (CAPS). Identifiers: Orphanet 208650, MedGen C2316212, MONDO:0016168.
Inborn genetic diseases. Identifiers: MedGen C0950123, MeSH D030342.

gnomAD v4.1: 19 of 1,607,892 alleles (0.0012%); highest among the groups gnomAD compares: African/African-American, 0.0053%; no homozygotes.

Submissions (2):

Labcorp Genetics (formerly Invitae), Labcorp
Classification: Uncertain significance for Cryopyrin associated periodic syndrome. Last evaluated: 2025-10-29. Review status: criteria provided, single submitter. Criteria: Invitae Variant Classification Sherloc (09022015). Collection method: clinical testing. Allele origin: germline.
Comment: This sequence change replaces histidine, which is basic and polar, with glutamine, which is neutral and polar, at codon 460 of the NLRP3 protein (p.His460Gln). This variant is present in population databases (rs180177481, gnomAD 0.03%). This variant has not been reported in the literature in individuals affected with NLRP3-related conditions. ClinVar contains an entry for this variant (Variation ID: 1448252). Invitae Evidence Modeling of protein sequence and biophysical properties (such as structural, functional, and spatial information, amino acid conservation, physicochemical variation, residue mobility, and thermodynamic stability) indicates that this missense variant is not expected to disrupt NLRP3 protein function with a negative predictive value of 95%. In summary, the available evidence is currently insufficient to determine the role of this variant in disease. Therefore, it has been classified as a Variant of Uncertain Significance.

Ambry Genetics
Classification: Uncertain significance for Inborn genetic diseases. Last evaluated: 2024-05-15. Review status: criteria provided, single submitter. Criteria: Ambry Variant Classification Scheme 2023. Collection method: clinical testing. Allele origin: germline.